The following is an entry in ClinVar:

ClinVar aggregate classification (germline): Uncertain significance (1 of 4 stars; one submission).

Submission:

Ambry Genetics
Classification: Uncertain significance. Last evaluated: 2023-05-18. Review status: criteria provided, single submitter. Criteria: Ambry Variant Classification Scheme 2023. Collection method: clinical testing. Allele origin: germline.
Comment: The p.N2146I variant (also known as c.6437A>T), located in coding exon 21 of the POLQ gene, results from an A to T substitution at nucleotide position 6437. The asparagine at codon 2146 is replaced by isoleucine, an amino acid with dissimilar properties. This amino acid position is conserved. In addition, this alteration is predicted to be tolerated by in silico analysis. Since supporting evidence is limited at this time, the clinical significance of this alteration remains unclear.

NM_199420.4(POLQ):c.6437A>T (p.Asn2146Ile)

Gene: POLQ (DNA polymerase theta; minus strand). Cytogenetic location: 3q13.33.
Variant type: single nucleotide variant.
Coding change: c.6437A>T on transcript NM_199420.4 (MANE Select); coding-DNA position 6437, A replaced by T.
Protein change: p.Asn2146Ile; replaces asparagine 2146 with isoleucine.
Molecular consequence: missense variant.
Genome position (GRCh38, 1-based): chr3:121,473,456, T>A on the plus strand (A>T on the coding strand, the complement: POLQ is on the minus strand). VCF-style: chr3-121473456-T-A. GRCh37 (hg19) VCF-style: chr3-121192303-T-A.
Other names: short protein forms N2146I.
Identifiers: ClinVar variation 2563850 (VCV002563850.2), dbSNP rs1356857259, ClinGen allele CA354086129.